The following is an entry in ClinVar:

NM_001199267.2(DGKZ):c.1046T>C (p.Leu349Pro)

Gene: DGKZ (diacylglycerol kinase zeta; plus strand). Cytogenetic location: 11p11.2.
Variant type: single nucleotide variant.
Coding change: c.1046T>C on transcript NM_001199267.2 (MANE Select); coding-DNA position 1046, T replaced by C.
Protein change: p.Leu349Pro; replaces leucine 349 with proline.
Molecular consequence: missense variant.
Genome position (GRCh38, 1-based): chr11:46,372,655, T>C. VCF-style: chr11-46372655-T-C. GRCh37 (hg19) VCF-style: chr11-46394205-T-C.
Other names: c.1613T>C, p.Leu538Pro (NM_001105540.2); c.1049T>C, p.Leu350Pro (NM_001199266.2, NM_003646.4); c.980T>C, p.Leu327Pro (NM_001199268.2); c.1097T>C, p.Leu366Pro (NM_201532.3); c.1061T>C, p.Leu354Pro (NM_201533.3); short protein forms L327P, L349P, L538P, L350P, L354P, L366P.
Identifiers: ClinVar variation 3659912 (VCV003659912.2).

ClinVar aggregate classification (germline): Uncertain significance (1 of 4 stars; one submission).

Submission:

Labcorp Genetics (formerly Invitae), Labcorp
Classification: Uncertain significance. Last evaluated: 2024-07-19. Review status: criteria provided, single submitter. Criteria: Invitae Variant Classification Sherloc (09022015). Collection method: clinical testing. Allele origin: germline.
Comment: This sequence change replaces leucine, which is neutral and non-polar, with proline, which is neutral and non-polar, at codon 538 of the DGKZ protein (p.Leu538Pro). This variant is not present in population databases (gnomAD no frequency). This variant has not been reported in the literature in individuals affected with DGKZ-related conditions. An algorithm developed to predict the effect of missense changes on protein structure and function (PolyPhen-2) suggests that this variant is likely to be disruptive. In summary, the available evidence is currently insufficient to determine the role of this variant in disease. Therefore, it has been classified as a Variant of Uncertain Significance.